The following is an entry in ClinVar:

ClinVar aggregate classification (germline): Uncertain significance (1 of 4 stars; one submission).

Submission:

GeneDx
Classification: Uncertain significance. Last evaluated: 2025-03-27. Review status: criteria provided, single submitter. Criteria: GeneDx Variant Classification Process June 2021. Collection method: clinical testing. Allele origin: germline. Affected: yes.
Comment: Not observed at significant frequency in large population cohorts (gnomAD); In silico analysis supports a deleterious effect on splicing; Has not been previously published as pathogenic or benign to our knowledge

NM_001845.6(COL4A1):c.388-3C>G

Gene: COL4A1 (collagen type IV alpha 1 chain; minus strand). Cytogenetic location: 13q34.
Variant type: single nucleotide variant.
Coding change: c.388-3C>G on transcript NM_001845.6 (MANE Select); 3 bases into the intron before coding-DNA position 388, C replaced by G.
Molecular consequence: intron variant.
Genome position (GRCh38, 1-based): chr13:110,211,925, G>C on the plus strand (C>G on the coding strand, the complement: COL4A1 is on the minus strand). VCF-style: chr13-110211925-G-C. GRCh37 (hg19) VCF-style: chr13-110864272-G-C.
Other names: c.388-3C>G (NM_001303110.2).
Identifiers: ClinVar variation 4087816 (VCV004087816.1).